The following is an entry in ClinVar:

NM_001308093.3(GATA4):c.1231T>C (p.Tyr411His)

Gene: GATA4 (GATA binding protein 4). Cytogenetic location: 8p23.1.
Variant type: single nucleotide variant.
Coding change: c.1231T>C on transcript NM_001308093.3 (MANE Select); coding-DNA position 1231, T replaced by C.
Protein change: p.Tyr411His; replaces tyrosine 411 with histidine.
Molecular consequence: missense variant.
Genome position (GRCh38, 1-based): chr8:11,758,374, T>C. VCF-style: chr8-11758374-T-C. GRCh37 (hg19) VCF-style: chr8-11615883-T-C.
Other names: c.610T>C, p.Tyr204His (NM_001308094.2, NM_001374273.1); c.484T>C, p.Tyr162His (NM_001374274.1); c.1228T>C, p.Tyr410His (NM_002052.5); short protein forms Y410H, Y162H, Y411H, Y204H.
Identifiers: ClinVar variation 860962 (VCV000860962.12), dbSNP rs372808540, ClinGen allele CA4630893.
Genomic context (GRCh38, chr8:11,758,374, plus strand): 5'-TCTGGCCATGGGCCCTCCATCCACCCTGTCCTCTCGGCCCTGAAGCTCTCCCCACAAGGC[T>C]ATGCGTCTCCCGTCAGCCAGTCTCCACAGACCAGCTCCAAGCAGGACTCTTGGAACAGCC-3'
Protein context (NP_001295022.1, residues 401-421): LSALKLSPQG[Tyr411His]ASPVSQSPQT

ClinVar aggregate classification (germline): Uncertain significance. Review status: criteria provided, multiple submitters, no conflicts (2 of 4 stars). 3 submissions from 3 submitters: Uncertain significance (3). Last evaluated 2025-09-18.

Conditions:
Cardiovascular phenotype. Identifiers: MedGen CN230736.
Tetralogy of Fallot (TOF). Identifiers: Orphanet 3303, MedGen C0039685, MONDO:0008542, OMIM 187500, HP:0001636.
Atrioventricular septal defect 4 (AVSD4). Identifiers: MedGen C3280781, MONDO:0013747, OMIM 614430.

Allele frequency attached by ClinVar (database versions not stated): gnomAD exomes below 0.00001 and 0.00001; ExAC 0.00001; gnomAD 0.00003; TOPMed 0.00003; ESP Exome Variant Server 0.00008.
gnomAD v4.1: 20 of 1,614,076 alleles (0.0012%); highest among the groups gnomAD compares: Non-Finnish European, 0.0015%; no homozygotes.

Submissions (3):

Labcorp Genetics (formerly Invitae), Labcorp
Classification: Uncertain significance for Atrioventricular septal defect 4. Last evaluated: 2025-09-18. Review status: criteria provided, single submitter. Criteria: Invitae Variant Classification Sherloc (09022015). Collection method: clinical testing. Allele origin: germline.
Comment: This sequence change replaces tyrosine, which is neutral and polar, with histidine, which is basic and polar, at codon 410 of the GATA4 protein (p.Tyr410His). This variant is present in population databases (rs372808540, gnomAD 0.002%). This variant has not been reported in the literature in individuals affected with GATA4-related conditions. ClinVar contains an entry for this variant (Variation ID: 860962). Invitae Evidence Modeling of protein sequence and biophysical properties (such as structural, functional, and spatial information, amino acid conservation, physicochemical variation, residue mobility, and thermodynamic stability) indicates that this missense variant is not expected to disrupt GATA4 protein function with a negative predictive value of 95%. In summary, the available evidence is currently insufficient to determine the role of this variant in disease. Therefore, it has been classified as a Variant of Uncertain Significance.

Ambry Genetics
Classification: Uncertain significance for Cardiovascular phenotype. Last evaluated: 2023-11-09. Review status: criteria provided, single submitter. Criteria: Ambry Variant Classification Scheme 2023. Collection method: clinical testing. Allele origin: germline.

Knight Diagnostic Laboratories, Oregon Health and Sciences University
Classification: Uncertain significance for Tetralogy of Fallot. Last evaluated: 2019-07-29. Review status: criteria provided, single submitter. Criteria: ACMG Guidelines, 2015. Collection method: clinical testing. Allele origin: germline. Observed: 1 variant allele.